The following is an entry in ClinVar:

NM_001199799.2(ILDR1):c.1031G>A (p.Arg344Lys)

Gene: ILDR1 (immunoglobulin like domain containing receptor 1; minus strand). Cytogenetic location: 3q13.33.
Variant type: single nucleotide variant.
Coding change: c.1031G>A on transcript NM_001199799.2 (MANE Select); coding-DNA position 1031, G replaced by A.
Protein change: p.Arg344Lys; replaces arginine 344 with lysine.
Molecular consequence: missense variant.
Genome position (GRCh38, 1-based): chr3:121,993,718, C>T on the plus strand (G>A on the coding strand, the complement: ILDR1 is on the minus strand). VCF-style: chr3-121993718-C-T. GRCh37 (hg19) VCF-style: chr3-121712565-C-T.
Other names: c.764G>A, p.Arg255Lys (NM_001199800.2); c.899G>A, p.Arg300Lys (NM_175924.4); short protein forms R344K, R300K, R255K.
Identifiers: ClinVar variation 451344 (VCV000451344.2), dbSNP rs1297610101, ClinGen allele CA354144057.

ClinVar aggregate classification (germline): Uncertain significance (1 of 4 stars; one submission).

Allele frequency attached by ClinVar (database versions not stated): gnomAD exomes below 0.00001 and 0.00001.
gnomAD v4.1: 18 of 1,614,112 alleles (0.0011%); highest among the groups gnomAD compares: Non-Finnish European, 0.0015%; no homozygotes.

Submission:

GeneDx
Classification: Uncertain significance. Last evaluated: 2017-08-18. Review status: criteria provided, single submitter. Criteria: GeneDx Variant Classification (06012015). Collection method: clinical testing. Allele origin: germline. Affected: yes.
Comment: The R344K variant in the ILDR1 gene has not been reported previously as a pathogenic variant, nor as a benign variant, to our knowledge. The R344K variant is not observed in large population cohorts (Lek et al., 2016; 1000 Genomes Consortium et al., 2015; Exome Variant Server). The R344K variant is a conservative amino acid substitution, which is not likely to impact secondary protein structure as these residues share similar properties. This substitution occurs at a position that is not conserved. In silico analysis predicts this variant likely does not alter the protein structure/function.We interpret R344K as a variant of uncertain significance.